The following is an entry in ClinVar:

ClinVar aggregate classification (germline): Uncertain significance (1 of 4 stars; one submission).

gnomAD v4.1: 12 of 1,613,882 alleles (0.00074%); highest among the groups gnomAD compares: African/African-American, 0.0013%; no homozygotes.

Submission:

Labcorp Genetics (formerly Invitae), Labcorp
Classification: Uncertain significance. Last evaluated: 2025-01-29. Review status: criteria provided, single submitter. Criteria: Invitae Variant Classification Sherloc (09022015). Collection method: clinical testing. Allele origin: germline.
Comment: This sequence change replaces glutamic acid, which is acidic and polar, with glutamine, which is neutral and polar, at codon 50 of the TNNT3 protein (p.Glu50Gln). This variant is present in population databases (rs760617350, gnomAD 0.003%). This variant has not been reported in the literature in individuals affected with TNNT3-related conditions. An algorithm developed to predict the effect of missense changes on protein structure and function (PolyPhen-2) suggests that this variant is likely to be disruptive. In summary, the available evidence is currently insufficient to determine the role of this variant in disease. Therefore, it has been classified as a Variant of Uncertain Significance.

NM_006757.4(TNNT3):c.148G>C (p.Glu50Gln)

Gene: TNNT3 (troponin T3, fast skeletal type; plus strand). Cytogenetic location: 11p15.5.
Variant type: single nucleotide variant.
Coding change: c.148G>C on transcript NM_006757.4 (MANE Select); coding-DNA position 148, G replaced by C.
Protein change: p.Glu50Gln; replaces glutamic acid 50 with glutamine.
Molecular consequence: missense variant. On other transcripts: 5 prime UTR variant (2).
Genome position (GRCh38, 1-based): chr11:1,932,491, G>C. VCF-style: chr11-1932491-G-C. GRCh37 (hg19) VCF-style: chr11-1953721-G-C.
Other names: c.124G>C, p.Glu42Gln (NM_001042780.3, NM_001042782.3, NM_001297646.2 and 2 more transcripts); c.142G>C, p.Glu48Gln (NM_001042781.3, NM_001367842.1, NM_001367843.1); c.157G>C, p.Glu53Gln (NM_001363561.2, NM_001367847.1); c.181G>C, p.Glu61Gln (NM_001367846.1); c.145G>C, p.Glu49Gln (NM_001367848.1); c.136G>C, p.Glu46Gln (NM_001367849.1); c.91G>C, p.Glu31Gln (NM_001367850.1); c.-57G>C (NM_001367851.1, NM_001367852.1); short protein forms E50Q, E61Q, E31Q, E46Q, E48Q, E42Q, E49Q, E53Q.
Identifiers: ClinVar variation 4782181 (VCV004782181.1).